The following is an entry in ClinVar:

NM_152866.3(MS4A1):c.167A>G (p.Gln56Arg)

Gene: MS4A1 (membrane spanning 4-domains A1; plus strand). Cytogenetic location: 11q12.2.
Variant type: single nucleotide variant.
Coding change: c.167A>G on transcript NM_152866.3 (MANE Select); coding-DNA position 167, A replaced by G.
Protein change: p.Gln56Arg; replaces glutamine 56 with arginine.
Molecular consequence: missense variant.
Genome position (GRCh38, 1-based): chr11:60,463,009, A>G. VCF-style: chr11-60463009-A-G. GRCh37 (hg19) VCF-style: chr11-60230482-A-G.
Other names: c.167A>G, p.Gln56Arg (NM_021950.4, NM_152867.2); short protein forms Q56R.
Identifiers: ClinVar variation 3722665 (VCV003722665.2).
Genomic context (GRCh38, chr11:60,463,009, plus strand): 5'-TGCTAGCAGTGATGATTTCAGCTCATCCACTGCTGCCTCTGTTCTCTCCCCAGGCTGTCC[A>G]GATTATGAATGGGCTCTTCCACATTGCCCTGGGGGGTCTTCTGATGATCCCAGCAGGGAT-3'
Protein context (NP_690605.1, residues 46-66): MRESKTLGAV[Gln56Arg]IMNGLFHIAL

ClinVar aggregate classification (germline): Uncertain significance (1 of 4 stars; one submission).

Submission:

Labcorp Genetics (formerly Invitae), Labcorp
Classification: Uncertain significance. Last evaluated: 2024-10-10. Review status: criteria provided, single submitter. Criteria: Invitae Variant Classification Sherloc (09022015). Collection method: clinical testing. Allele origin: germline.
Comment: This sequence change replaces glutamine, which is neutral and polar, with arginine, which is basic and polar, at codon 56 of the MS4A1 protein (p.Gln56Arg). This variant is not present in population databases (gnomAD no frequency). This variant has not been reported in the literature in individuals affected with MS4A1-related conditions. An algorithm developed to predict the effect of missense changes on protein structure and function (PolyPhen-2) suggests that this variant is likely to be disruptive. In summary, the available evidence is currently insufficient to determine the role of this variant in disease. Therefore, it has been classified as a Variant of Uncertain Significance.